The following is an entry in ClinVar:

ClinVar aggregate classification (germline): Uncertain significance (1 of 4 stars; one submission).

Conditions:
Landau-Kleffner syndrome (FESD). Also called: APHASIA, ACQUIRED, WITH EPILEPSY; EPILEPSY, FOCAL, WITH SPEECH DISORDER AND WITH OR WITHOUT MENTAL RETARDATION. Identifiers: Orphanet 1945, Orphanet 725, Orphanet 98818, MedGen C0282512, MONDO:0009509, OMIM 245570.

Submission:

Labcorp Genetics (formerly Invitae), Labcorp
Classification: Uncertain significance for Landau-Kleffner syndrome. Last evaluated: 2023-09-10. Review status: criteria provided, single submitter. Criteria: Invitae Variant Classification Sherloc (09022015). Collection method: clinical testing. Allele origin: germline.
Comment: In summary, the available evidence is currently insufficient to determine the role of this variant in disease. Therefore, it has been classified as a Variant of Uncertain Significance. This sequence change replaces isoleucine, which is neutral and non-polar, with threonine, which is neutral and polar, at codon 222 of the GRIN2A protein (p.Ile222Thr). This variant is not present in population databases (gnomAD no frequency). This variant has not been reported in the literature in individuals affected with GRIN2A-related conditions. Advanced modeling of protein sequence and biophysical properties (such as structural, functional, and spatial information, amino acid conservation, physicochemical variation, residue mobility, and thermodynamic stability) performed at Invitae indicates that this missense variant is not expected to disrupt GRIN2A protein function.

NM_001134407.3(GRIN2A):c.665T>C (p.Ile222Thr)

Gene: GRIN2A (glutamate ionotropic receptor NMDA type subunit 2A; minus strand). Cytogenetic location: 16p13.2.
Variant type: single nucleotide variant.
Coding change: c.665T>C on transcript NM_001134407.3 (MANE Select); coding-DNA position 665, T replaced by C.
Protein change: p.Ile222Thr; replaces isoleucine 222 with threonine.
Molecular consequence: missense variant.
Genome position (GRCh38, 1-based): chr16:9,938,301, A>G on the plus strand (T>C on the coding strand, the complement: GRIN2A is on the minus strand). VCF-style: chr16-9938301-A-G. GRCh37 (hg19) VCF-style: chr16-10032158-A-G.
Other names: c.665T>C, p.Ile222Thr (NM_000833.5, NM_001134408.2); short protein forms I222T.
Identifiers: ClinVar variation 2759560 (VCV002759560.3), dbSNP rs2543141999, ClinGen allele CA394798765.